The following is an entry in ClinVar:

NM_000628.5(IL10RB):c.389G>A (p.Arg130His)

Genes: IL10RB (interleukin 10 receptor subunit beta; plus strand), IFNAR2-IL10RB (IFNAR2-IL10RB readthrough; plus strand). Cytogenetic location: 21q22.11.
Variant type: single nucleotide variant.
Coding change: c.389G>A on transcript NM_000628.5 (MANE Select); coding-DNA position 389, G replaced by A.
Protein change: p.Arg130His; replaces arginine 130 with histidine.
Molecular consequence: missense variant.
Genome position (GRCh38, 1-based): chr21:33,279,809, G>A. VCF-style: chr21-33279809-G-A. GRCh37 (hg19) VCF-style: chr21-34652114-G-A.
Other names: c.389G>A (NM_000628.3); short protein forms R130H.
Identifiers: ClinVar variation 1398999 (VCV001398999.6), dbSNP rs775140370, ClinGen allele CA10006133.

ClinVar aggregate classification (germline): Uncertain significance. Review status: criteria provided, multiple submitters, no conflicts (2 of 4 stars). 2 submissions from 2 submitters: Uncertain significance (2). Last evaluated 2025-08-21.

Conditions:
Inflammatory bowel disease 25. Also called: Inflammatory bowel disease 25, early onset, autosomal recessive. Identifiers: Orphanet 238569, MedGen C2675508, MONDO:0012941, OMIM 612567.
Inborn genetic diseases. Identifiers: MedGen C0950123, MeSH D030342.

Allele frequency attached by ClinVar (database versions not stated): ExAC 0.00002; gnomAD 0.00002 and 0.00003; gnomAD exomes 0.00002; TOPMed 0.00005.
gnomAD v4.1: 48 of 1,613,460 alleles (0.003%); highest among the groups gnomAD compares: Admixed American, 0.0083%; no homozygotes.

Submissions (2):

Ambry Genetics
Classification: Uncertain significance for Inborn genetic diseases. Last evaluated: 2025-08-21. Review status: criteria provided, single submitter. Criteria: Ambry Variant Classification Scheme 2023. Collection method: clinical testing. Allele origin: germline.

Labcorp Genetics (formerly Invitae), Labcorp
Classification: Uncertain significance for Inflammatory bowel disease 25. Last evaluated: 2022-08-10. Review status: criteria provided, single submitter. Criteria: Invitae Variant Classification Sherloc (09022015). Collection method: clinical testing. Allele origin: germline.
Comment: This sequence change replaces arginine, which is basic and polar, with histidine, which is basic and polar, at codon 130 of the IL10RB protein (p.Arg130His). This variant is present in population databases (rs775140370, gnomAD 0.01%). This variant has not been reported in the literature in individuals affected with IL10RB-related conditions. ClinVar contains an entry for this variant (Variation ID: 1398999). Algorithms developed to predict the effect of missense changes on protein structure and function (SIFT, PolyPhen-2, Align-GVGD) all suggest that this variant is likely to be tolerated. In summary, the available evidence is currently insufficient to determine the role of this variant in disease. Therefore, it has been classified as a Variant of Uncertain Significance.